The following is an entry in ClinVar:

ClinVar aggregate classification (germline): Uncertain significance. Review status: criteria provided, multiple submitters, no conflicts (2 of 4 stars). 2 submissions from 2 submitters: Uncertain significance (2). Last evaluated 2026-07-30.

Conditions:
PLEC-related disorder. Also called: PLEC-related condition; PLEC-related disorders.
Epidermolysis bullosa simplex, Ogna type (EBS5A). Also called: Pidermolysis bullosa simplex 5A, Ogna type; EPIDERMOLYSIS BULLOSA SIMPLEX 5A, OGNA TYPE. Identifiers: Orphanet 79401, MedGen C0432317, MONDO:0007555, OMIM 131950.
Autosomal recessive limb-girdle muscular dystrophy type 2Q (LGMDR17). Also called: MUSCULAR DYSTROPHY, LIMB-GIRDLE, AUTOSOMAL RECESSIVE 17. Identifiers: Orphanet 254361, MedGen C3150989, MONDO:0013390, OMIM 613723.
Epidermolysis bullosa simplex with nail dystrophy (EBS5D). Identifiers: MedGen C4225309, MONDO:0014661, OMIM 616487.
Epidermolysis bullosa simplex 5C, with pyloric atresia (EBS5C). Also called: PLEC-Related Epidermolysis Bullosa with Pyloric Atresia; Epidermolysis bullosa simplex with pyloric atresia; PLEC1-Related Epidermolysis Bullosa with Pyloric Atresia. Identifiers: Orphanet 158684, MedGen C2677349, MONDO:0012807, OMIM 612138.
Epidermolysis bullosa simplex 5B, with muscular dystrophy (EBS5B). Also called: Epidermolysis bullosa simplex with muscular dystrophy; EPIDERMOLYSIS BULLOSA SIMPLEX AND LIMB-GIRDLE MUSCULAR DYSTROPHY. Identifiers: Orphanet 257, MedGen C2931072, MONDO:0009181, OMIM 226670.

gnomAD v4.1: 71 of 1,613,974 alleles (0.0044%); highest among the groups gnomAD compares: Non-Finnish European, 0.006%; no homozygotes.

Submissions (2):

PreventionGenetics, part of Exact Sciences
Classification: Uncertain significance for PLEC-related condition. Last evaluated: 2026-07-30. Review status: criteria provided, single submitter. Criteria: ACMG Guidelines, 2015. Collection method: clinical testing. Allele origin: germline.
Comment: The PLEC c.10599C>A variant is predicted to result in the amino acid substitution p.Ser3533Arg. To our knowledge, this variant has not been reported in the literature. This variant is reported in 0.00088% of alleles in individuals of European (Non-Finnish) descent in gnomAD. At this time, the clinical significance of this variant is uncertain due to the absence of conclusive functional and genetic evidence.

Labcorp Genetics (formerly Invitae), Labcorp
Classification: Uncertain significance for Autosomal recessive limb-girdle muscular dystrophy type 2Q; Epidermolysis bullosa simplex, Ogna type; Epidermolysis bullosa simplex with nail dystrophy; Epidermolysis bullosa simplex 5C, with pyloric atresia; Epidermolysis bullosa simplex 5B, with muscular dystrophy. Last evaluated: 2023-03-16. Review status: criteria provided, single submitter. Criteria: Invitae Variant Classification Sherloc (09022015). Collection method: clinical testing. Allele origin: germline.
Comment: In summary, the available evidence is currently insufficient to determine the role of this variant in disease. Therefore, it has been classified as a Variant of Uncertain Significance. An algorithm developed to predict the effect of missense changes on protein structure and function (PolyPhen-2) suggests that this variant is likely to be disruptive. This variant has not been reported in the literature in individuals affected with PLEC-related conditions. This variant is present in population databases (rs373881796, gnomAD 0.0009%). This sequence change replaces serine, which is neutral and polar, with arginine, which is basic and polar, at codon 3533 of the PLEC protein (p.Ser3533Arg).

NM_201384.3(PLEC):c.10518C>A (p.Ser3506Arg)

Gene: PLEC (plectin; minus strand). Cytogenetic location: 8q24.3.
Variant type: single nucleotide variant.
Coding change: c.10518C>A on transcript NM_201384.3 (MANE Select); coding-DNA position 10518, C replaced by A.
Protein change: p.Ser3506Arg; replaces serine 3506 with arginine.
Molecular consequence: missense variant.
Genome position (GRCh38, 1-based): chr8:143,919,303, G>T on the plus strand (C>A on the coding strand, the complement: PLEC is on the minus strand). VCF-style: chr8-143919303-G-T. GRCh37 (hg19) VCF-style: chr8-144993471-G-T.
Other names: c.10599C>A, p.Ser3533Arg (NM_000445.5); c.7218C>A, p.Ser2406Arg (NM_001410941.1); c.10476C>A, p.Ser3492Arg (NM_201378.4); c.10599C>A (NM_000445.4); c.10452C>A, p.Ser3484Arg (NM_201379.3); c.10929C>A, p.Ser3643Arg (NM_201380.4); c.10422C>A, p.Ser3474Arg (NM_201381.3); c.10518C>A, p.Ser3506Arg (NM_201382.4); and 1 more; short protein forms S2406R, S3492R, S3474R, S3510R, S3533R, S3484R, S3506R, S3643R.
Identifiers: ClinVar variation 2928476 (VCV002928476.4), dbSNP rs373881796, ClinGen allele CA4924625.